The following is an entry in ClinVar:

NM_006648.4(WNK2):c.2240A>T (p.Gln747Leu)

Gene: WNK2 (WNK lysine deficient protein kinase 2; plus strand). Cytogenetic location: 9q22.31.
Variant type: single nucleotide variant.
Coding change: c.2240A>T on transcript NM_006648.4 (MANE Select); coding-DNA position 2240, A replaced by T.
Protein change: p.Gln747Leu; replaces glutamine 747 with leucine.
Molecular consequence: missense variant.
Genome position (GRCh38, 1-based): chr9:93,256,997, A>T. VCF-style: chr9-93256997-A-T. GRCh37 (hg19) VCF-style: chr9-96019279-A-T.
Other names: c.2240A>T, p.Gln747Leu (NM_001282394.3); short protein forms Q747L.
Identifiers: ClinVar variation 3981895 (VCV003981895.1).

ClinVar aggregate classification (germline): Uncertain significance (1 of 4 stars; one submission).

Submission:

Ambry Genetics
Classification: Uncertain significance. Last evaluated: 2025-04-17. Review status: criteria provided, single submitter. Criteria: Ambry Variant Classification Scheme 2023. Collection method: clinical testing. Allele origin: germline.
Comment: The p.Q747L variant (also known as c.2240A>T), located in coding exon 10 of the WNK2 gene, results from an A to T substitution at nucleotide position 2240. The glutamine at codon 747 is replaced by leucine, an amino acid with dissimilar properties. This amino acid position is conserved. In addition, the in silico prediction for this alteration is inconclusive. Based on the available evidence, the clinical significance of this variant remains unclear.